The following is an entry in ClinVar:

NM_182961.4(SYNE1):c.3587C>T (p.Ser1196Phe)

Gene: SYNE1 (spectrin repeat containing nuclear envelope protein 1; minus strand). Cytogenetic location: 6q25.2.
Variant type: single nucleotide variant.
Coding change: c.3587C>T on transcript NM_182961.4 (MANE Select); coding-DNA position 3587, C replaced by T.
Protein change: p.Ser1196Phe; replaces serine 1196 with phenylalanine.
Molecular consequence: missense variant.
Genome position (GRCh38, 1-based): chr6:152,447,540, G>A on the plus strand (C>T on the coding strand, the complement: SYNE1 is on the minus strand). VCF-style: chr6-152447540-G-A. GRCh37 (hg19) VCF-style: chr6-152768675-G-A.
Other names: c.3608C>T, p.Ser1203Phe (NM_033071.5); short protein forms S1196F, S1203F.
Identifiers: ClinVar variation 355929 (VCV000355929.14), dbSNP rs886061212, ClinGen allele CA10626401.
Genomic context (GRCh38, chr6:152,447,540, plus strand): 5'-GCCTTGAAAGAGCTGGATAATTTTGCCAGCTCATCTCCCTGCTTTTGGGCTTCATTCTCA[G>A]AAGAAACTTCTGTCAAAACTTTCAGCCTGGATTTCAGCCAGCTGAGGGTCTCACCCCTTT-3'
Protein context (NP_892006.3, residues 1186-1206): SRLKVLTEVS[Ser1196Phe]ENEAQKQGDE

ClinVar aggregate classification (germline): Uncertain significance. Review status: criteria provided, multiple submitters, no conflicts (2 of 4 stars). 4 submissions from 3 submitters: Uncertain significance (4). Last evaluated 2021-07-06.

Conditions:
Autosomal recessive ataxia, Beauce type. Also called: SYNE1 Deficiency; SYNE1-Related Autosomal Recessive Cerebellar Ataxia; Spinocerebellar ataxia, autosomal recessive 8; ATAXIA, RECESSIVE, OF BEAUCE. Identifiers: Orphanet 88644, MedGen C1853116, MONDO:0012549, OMIM 610743.
Emery-Dreifuss muscular dystrophy 4, autosomal dominant (EDMD4). Also called: EMERY-DREIFUSS MUSCULAR DYSTROPHY 4 WITH VARIABLE FEATURES. Identifiers: Orphanet 261, MedGen C2751807, MONDO:0013071, OMIM 612998.

Allele frequency attached by ClinVar (database versions not stated): gnomAD exomes 0.00001; TOPMed 0.00001; gnomAD 0.00003.
gnomAD v4.1: 24 of 1,614,100 alleles (0.0015%); highest among the groups gnomAD compares: Middle Eastern, 0.033%; no homozygotes.

Submissions (4):

Labcorp Genetics (formerly Invitae), Labcorp
Classification: Uncertain significance for Emery-Dreifuss muscular dystrophy 4, autosomal dominant; Autosomal recessive ataxia, Beauce type. Last evaluated: 2021-07-06. Review status: criteria provided, single submitter. Criteria: Invitae Variant Classification Sherloc (09022015). Collection method: clinical testing. Allele origin: germline.
Comment: ClinVar contains an entry for this variant (Variation ID: 355929). This sequence change replaces serine with phenylalanine at codon 1203 of the SYNE1 protein (p.Ser1203Phe). The serine residue is moderately conserved and there is a large physicochemical difference between serine and phenylalanine. This variant is not present in population databases (ExAC no frequency). This variant has not been reported in the literature in individuals affected with SYNE1-related conditions. Algorithms developed to predict the effect of missense changes on protein structure and function are either unavailable or do not agree on the potential impact of this missense change (SIFT: "Deleterious"; PolyPhen-2: "Possibly Damaging"; Align-GVGD: "Class C0"). In summary, the available evidence is currently insufficient to determine the role of this variant in disease. Therefore, it has been classified as a Variant of Uncertain Significance.

Revvity Omics, Revvity
Classification: Uncertain significance. Last evaluated: 2021-07-05. Review status: criteria provided, single submitter. Criteria: ACMG Guidelines, 2015. Collection method: clinical testing. Allele origin: germline.

Illumina Laboratory Services, Illumina
Classification: Uncertain significance for Autosomal recessive ataxia, Beauce type. Last evaluated: 2018-01-13. Review status: criteria provided, single submitter. Criteria: ICSL Variant Classification Criteria 13 December 2019. Collection method: clinical testing. Allele origin: germline.

Illumina Laboratory Services, Illumina
Classification: Uncertain significance for Emery-Dreifuss muscular dystrophy 4, autosomal dominant. Last evaluated: 2018-01-13. Review status: criteria provided, single submitter. Criteria: ICSL Variant Classification Criteria 13 December 2019. Collection method: clinical testing. Allele origin: germline.